The following is an entry in ClinVar:

ClinVar aggregate classification (germline): Uncertain significance (1 of 4 stars; one submission).

Conditions:
Juvenile polyposis syndrome (JPS). Identifiers: Orphanet 2929, MedGen C0345893, MONDO:0017380, OMIM 174900.

Submission:

Labcorp Genetics (formerly Invitae), Labcorp
Classification: Uncertain significance for Juvenile polyposis syndrome. Last evaluated: 2023-11-28. Review status: criteria provided, single submitter. Criteria: Invitae Variant Classification Sherloc (09022015). Collection method: clinical testing. Allele origin: germline.
Comment: This sequence change falls in intron 3 of the BMPR1A gene. It does not directly change the encoded amino acid sequence of the BMPR1A protein. This variant is not present in population databases (gnomAD no frequency). This variant has not been reported in the literature in individuals affected with BMPR1A-related conditions. Studies have shown that this variant is associated with altered splicing resulting in multiple RNA products (Invitae). In summary, the available evidence is currently insufficient to determine the role of this variant in disease. Therefore, it has been classified as a Variant of Uncertain Significance.

NM_004329.3(BMPR1A):c.68-9T>A

Gene: BMPR1A (bone morphogenetic protein receptor type 1A; plus strand). Cytogenetic location: 10q23.2.
Variant type: single nucleotide variant.
Coding change: c.68-9T>A on transcript NM_004329.3 (MANE Select); 9 bases into the intron before coding-DNA position 68, T replaced by A.
Molecular consequence: intron variant.
Genome position (GRCh38, 1-based): chr10:86,890,053, T>A. VCF-style: chr10-86890053-T-A. GRCh37 (hg19) VCF-style: chr10-88649810-T-A.
Other names: c.68-9T>A (NM_001406578.1, NM_001406580.1, NM_001406560.1 and 23 more transcripts); c.-12-14T>A (NM_001406588.1, NM_001406586.1); c.-17-9T>A (NM_001406587.1, NM_001406585.1, NM_001406584.1).
Identifiers: ClinVar variation 2699380 (VCV002699380.3), dbSNP rs2539429642, ClinGen allele CA2697558520.